The following is an entry in ClinVar:

ClinVar aggregate classification (germline): Likely pathogenic (1 of 4 stars; one submission).

Conditions:
Deficiency of guanidinoacetate methyltransferase (CCDS2). Also called: CEREBRAL CREATINE DEFICIENCY SYNDROME 2; Guanidinoacetate Methyltransferase (GAMT) Deficiency; GAMT DEFICIENCY. Identifiers: Orphanet 382, MedGen C0574080, MONDO:0012999, OMIM 612736.

Submission:

Natera, Inc.
Classification: Likely pathogenic for Guanidinoacetate methyltransferase deficiency. Last evaluated: 2024-03-07. Review status: criteria provided, single submitter. Criteria: Natera Variant Classification Schema (03/2026). Collection method: clinical testing. Allele origin: germline.
Comment: The c.1A>T variant in GAMT is predicted to result in start loss due to disruption of the initiator methionine. This variant is expected to result in nonsense mediated decay, truncation, or a dysfunctional protein product. This variant is rare in the general population with a frequency below the threshold expected for the associated phenotype(s). Given the available evidence, this variant is classified as Likely Pathogenic.

NM_000156.6(GAMT):c.1A>T (p.Met1Leu)

Genes: GAMT (guanidinoacetate N-methyltransferase; minus strand), LOC130062945 (ATAC-STARR-seq lymphoblastoid silent region 9707; plus strand). Cytogenetic location: 19p13.3.
Variant type: single nucleotide variant.
Coding change: c.1A>T on transcript NM_000156.6 (MANE Select); coding-DNA position 1, A replaced by T.
Protein change: p.Met1Leu; changes the start codon (methionine 1).
Molecular consequence: missense variant, initiator codon variant.
Genome position (GRCh38, 1-based): chr19:1,401,476, T>A on the plus strand (A>T on the coding strand, the complement: GAMT is on the minus strand). VCF-style: chr19-1401476-T-A. GRCh37 (hg19) VCF-style: chr19-1401475-T-A.
Other names: c.1A>T, p.Met1Leu (NM_138924.3); short protein forms M1L.
Identifiers: ClinVar variation 4817654 (VCV004817654.1).